The following is an entry in ClinVar:

NM_000178.4(GSS):c.942G>A (p.Pro314=)

Gene: GSS (glutathione synthetase; minus strand). Cytogenetic location: 20q11.22.
Variant type: single nucleotide variant.
Coding change: c.942G>A on transcript NM_000178.4 (MANE Select); coding-DNA position 942, G replaced by A.
Protein change: p.Pro314=; no amino-acid change (proline 314 retained).
Molecular consequence: synonymous variant.
Genome position (GRCh38, 1-based): chr20:34,932,026, C>T on the plus strand (G>A on the coding strand, the complement: GSS is on the minus strand). VCF-style: chr20-34932026-C-T. GRCh37 (hg19) VCF-style: chr20-33519829-C-T.
Other names: c.942G>A (NM_000178.3); c.942G>A, p.Pro314= (NM_001322494.1, NM_001322495.1).
Identifiers: ClinVar variation 2724637 (VCV002724637.5), dbSNP rs770380494, ClinGen allele CA9825928.
Genomic context (GRCh38, chr20:34,932,026, plus strand): 5'-GGTGGCGCGGAGGCGGGCCACAGCCTCAGGCTGGCCAGGGAGCAACATCTCCAGCATGCC[C>T]GGCCTGCTTAGCTCCTGCTGCACCTTCTTAGTCCCAGCCAGCTGGGTGGCAATGTCTGGG-3'
Protein context (NP_000169.1, residues 304-324): TKKVQQELSR[Pro314=]GMLEMLLPGQ

ClinVar aggregate classification (germline): Likely benign. Review status: criteria provided, single submitter (1 of 4 stars). 2 submissions from 2 submitters: Likely benign (1). 1 of the submissions does not count toward it. Last evaluated 2024-02-14.

Conditions:
Glutathione synthetase deficiency with 5-oxoprolinuria. Also called: PYROGLUTAMIC ACIDURIA; 5-Oxoprolinuria; Reduced glutathione synthetase level; Gluthathione synthetase deficiency; 5-OXOPROLINURIA DUE TO GLUTATHIONE SYNTHETASE DEFICIENCY. Identifiers: Orphanet 289846, MedGen C0398746, MONDO:0009947, OMIM 266130, HP:0003343.
GSS-related disorder. Also called: GSS-related condition.

Allele frequency attached by ClinVar (database versions not stated): gnomAD 0.00001; ExAC 0.00002; TOPMed 0.00002.
gnomAD v4.1: 21 of 1,614,052 alleles (0.0013%); highest among the groups gnomAD compares: Middle Eastern, 0.033%; no homozygotes.

Submissions (2):

Labcorp Genetics (formerly Invitae), Labcorp
Classification: Likely benign for Glutathione synthetase deficiency with 5-oxoprolinuria. Last evaluated: 2024-02-14. Review status: criteria provided, single submitter. Criteria: Invitae Variant Classification Sherloc (09022015). Collection method: clinical testing. Allele origin: germline.

PreventionGenetics, part of Exact Sciences
Classification: Likely benign for GSS-related condition. Last evaluated: 2019-03-22. Review status: no assertion criteria provided. Collection method: clinical testing. Allele origin: germline. Not counted in ClinVar's aggregate classification.
Comment: This variant is classified as likely benign based on ACMG/AMP sequence variant interpretation guidelines (Richards et al. 2015 PMID: 25741868, with internal and published modifications).